The following is an entry in ClinVar:

NM_015378.4(VPS13D):c.11113C>T (p.Arg3705Cys)

Gene: VPS13D (vacuolar protein sorting 13 homolog D; plus strand). Cytogenetic location: 1p36.22.
Variant type: single nucleotide variant.
Coding change: c.11113C>T on transcript NM_015378.4 (MANE Select); coding-DNA position 11113, C replaced by T.
Protein change: p.Arg3705Cys; replaces arginine 3705 with cysteine.
Molecular consequence: missense variant.
Genome position (GRCh38, 1-based): chr1:12,379,519, C>T. VCF-style: chr1-12379519-C-T. GRCh37 (hg19) VCF-style: chr1-12439573-C-T.
Other names: p.Arg3705Cys; c.11038C>T, p.Arg3680Cys (NM_018156.4); short protein forms R3680C, R3705C.
Identifiers: ClinVar variation 2164548 (VCV002164548.3), dbSNP rs555293849, ClinGen allele CA603867.

ClinVar aggregate classification (germline): Conflicting classifications of pathogenicity. Review status: criteria provided, conflicting classifications (1 of 4 stars). 2 submissions from 2 submitters: Uncertain significance (1); Likely benign (1). Last evaluated 2025-09-05.

Allele frequency attached by ClinVar (database versions not stated): gnomAD 0.00002; TOPMed 0.00003; ExAC 0.00009.
gnomAD v4.1: 79 of 1,613,256 alleles (0.0049%); highest among the groups gnomAD compares: Middle Eastern, 0.18%; 1 homozygote.

Submissions (2):

Mayo Clinic Laboratories, Mayo Clinic
Classification: Likely benign. Last evaluated: 2025-09-05. Review status: criteria provided, single submitter. Criteria: ACMG Guidelines, 2015. Collection method: clinical testing. Allele origin: germline. Observed: 2 variant alleles.
Comment: BS1, BP4_moderate

Labcorp Genetics (formerly Invitae), Labcorp
Classification: Uncertain significance. Last evaluated: 2025-06-03. Review status: criteria provided, single submitter. Criteria: Invitae Variant Classification Sherloc (09022015). Collection method: clinical testing. Allele origin: germline.
Comment: This sequence change replaces arginine, which is basic and polar, with cysteine, which is neutral and slightly polar, at codon 3705 of the VPS13D protein (p.Arg3705Cys). This variant is present in population databases (rs555293849, gnomAD 0.01%). This variant has not been reported in the literature in individuals affected with VPS13D-related conditions. ClinVar contains an entry for this variant (Variation ID: 2164548). Invitae Evidence Modeling of protein sequence and biophysical properties (such as structural, functional, and spatial information, amino acid conservation, physicochemical variation, residue mobility, and thermodynamic stability) indicates that this missense variant is not expected to disrupt VPS13D protein function with a negative predictive value of 80%. In summary, the available evidence is currently insufficient to determine the role of this variant in disease. Therefore, it has been classified as a Variant of Uncertain Significance.